The following is an entry in ClinVar:

ClinVar aggregate classification (germline): Uncertain significance (1 of 4 stars; one submission).

Conditions:
Familial thoracic aortic aneurysm and aortic dissection (TAAD). Also called: Thoracic aortic aneurysms and dissections. Identifiers: Orphanet 91387, MedGen C4707243, MONDO:0019625.

Submission:

Ambry Genetics
Classification: Uncertain significance for Familial thoracic aortic aneurysm and aortic dissection. Last evaluated: 2025-04-23. Review status: criteria provided, single submitter. Criteria: Ambry Variant Classification Scheme 2023. Collection method: clinical testing. Allele origin: germline.
Comment: The p.R82S variant (also known as c.246G>T), located in coding exon 2 of the TGFBR1 gene, results from a G to T substitution at nucleotide position 246. The arginine at codon 82 is replaced by serine, an amino acid with dissimilar properties. This amino acid position is conserved. In addition, the in silico prediction for this alteration is inconclusive. Based on the available evidence, the clinical significance of this variant remains unclear.

NM_004612.4(TGFBR1):c.246G>T (p.Arg82Ser)

Gene: TGFBR1 (transforming growth factor beta receptor 1; plus strand). Cytogenetic location: 9q22.33.
Variant type: single nucleotide variant.
Coding change: c.246G>T on transcript NM_004612.4 (MANE Select); coding-DNA position 246, G replaced by T.
Protein change: p.Arg82Ser; replaces arginine 82 with serine.
Molecular consequence: missense variant. On other transcripts: non-coding transcript variant (4), intron variant (3).
Genome position (GRCh38, 1-based): chr9:99,129,003, G>T. VCF-style: chr9-99129003-G-T. GRCh37 (hg19) VCF-style: chr9-101891285-G-T.
Other names: c.246G>T, p.Arg82Ser (NM_001130916.3, NM_001306210.2, NM_001407416.1 and 2 more transcripts); c.39G>T, p.Arg13Ser (NM_001407418.1, NM_001407419.1, NM_001407420.1 and 12 more transcripts); c.98-3506G>T (NM_001407436.1); c.98-8856G>T (NM_001407438.1); c.98-13533G>T (NM_001407437.1); short protein forms R13S, R82S.
Identifiers: ClinVar variation 3968085 (VCV003968085.1).